The following is an entry in ClinVar:

ClinVar aggregate classification (germline): Pathogenic (1 of 4 stars; one submission).

Conditions:
Hereditary cancer-predisposing syndrome. Also called: Neoplastic Syndromes, Hereditary; Tumor predisposition; Hereditary Cancer Syndrome; Hereditary neoplastic syndrome. Identifiers: Orphanet 140162, MedGen C0027672, MeSH D009386, MONDO:0015356.

Submission:

Ambry Genetics
Classification: Pathogenic for Hereditary cancer-predisposing syndrome. Last evaluated: 2023-08-25. Review status: criteria provided, single submitter. Criteria: Ambry Variant Classification Scheme 2023. Collection method: clinical testing. Allele origin: germline.
Comment: The p.R1090* pathogenic mutation (also known as c.3268A>T), located in coding exon 19 of the DICER1 gene, results from an A to T substitution at nucleotide position 3268. This changes the amino acid from an arginine to a stop codon within coding exon 19. This variant is considered to be rare based on population cohorts in the Genome Aggregation Database (gnomAD). This alteration is expected to result in loss of function by premature protein truncation or nonsense-mediated mRNA decay. As such, this alteration is interpreted as a disease-causing mutation.

NM_177438.3(DICER1):c.3268A>T (p.Arg1090Ter)

Gene: DICER1 (dicer 1, ribonuclease III; minus strand). Cytogenetic location: 14q32.13.
Variant type: single nucleotide variant.
Coding change: c.3268A>T on transcript NM_177438.3 (MANE Select); coding-DNA position 3268, A replaced by T.
Protein change: p.Arg1090Ter; replaces arginine 1090 with a stop codon.
Molecular consequence: nonsense. On other transcripts: non-coding transcript variant (6).
Genome position (GRCh38, 1-based): chr14:95,105,072, T>A on the plus strand (A>T on the coding strand, the complement: DICER1 is on the minus strand). VCF-style: chr14-95105072-T-A. GRCh37 (hg19) VCF-style: chr14-95571409-T-A.
Other names: c.3268A>T, p.Arg1090Ter (NM_001195573.1, NM_001271282.3, NM_001291628.2 and 13 more transcripts); c.2986A>T, p.Arg996Ter (NM_001395686.1); c.2863A>T, p.Arg955Ter (NM_001395687.1, NM_001395688.1, NM_001395689.1 and 2 more transcripts); c.2701A>T, p.Arg901Ter (NM_001395691.1); c.1585A>T, p.Arg529Ter (NM_001395697.1); short protein forms R1090*, R529*, R996*, R901*, R955*.
Identifiers: ClinVar variation 1729586 (VCV001729586.3), dbSNP rs2542750103, ClinGen allele CA390876226.